The following is an entry in ClinVar:

NM_001113378.2(FANCI):c.2344T>G (p.Ser782Ala)

Gene: FANCI (FA complementation group I; plus strand). Cytogenetic location: 15q26.1.
Variant type: single nucleotide variant.
Coding change: c.2344T>G on transcript NM_001113378.2 (MANE Select); coding-DNA position 2344, T replaced by G.
Protein change: p.Ser782Ala; replaces serine 782 with alanine.
Molecular consequence: missense variant.
Genome position (GRCh38, 1-based): chr15:89,293,885, T>G. VCF-style: chr15-89293885-T-G. GRCh37 (hg19) VCF-style: chr15-89837116-T-G.
Other names: c.2065T>G, p.Ser689Ala (NM_001376910.1); c.2344T>G, p.Ser782Ala (NM_001376911.1, NM_018193.3); short protein forms S782A, S689A.
Identifiers: ClinVar variation 3630168 (VCV003630168.2).

ClinVar aggregate classification (germline): Uncertain significance (1 of 4 stars; one submission).

Conditions:
Fanconi anemia (FA). Also called: Fanconi's anemia. Identifiers: Orphanet 84, MedGen C0015625, MeSH D005199, MONDO:0019391.

gnomAD v4.1: 8 of 1,614,072 alleles (0.0005%); highest among the groups gnomAD compares: East Asian, 0.018%; no homozygotes.

Submission:

Labcorp Genetics (formerly Invitae), Labcorp
Classification: Uncertain significance for Fanconi anemia. Last evaluated: 2024-05-10. Review status: criteria provided, single submitter. Criteria: Invitae Variant Classification Sherloc (09022015). Collection method: clinical testing. Allele origin: germline.
Comment: This sequence change replaces serine, which is neutral and polar, with alanine, which is neutral and non-polar, at codon 782 of the FANCI protein (p.Ser782Ala). This variant is not present in population databases (gnomAD no frequency). This variant has not been reported in the literature in individuals affected with FANCI-related conditions. Advanced modeling of protein sequence and biophysical properties (such as structural, functional, and spatial information, amino acid conservation, physicochemical variation, residue mobility, and thermodynamic stability) performed at Invitae indicates that this missense variant is not expected to disrupt FANCI protein function with a negative predictive value of 80%. In summary, the available evidence is currently insufficient to determine the role of this variant in disease. Therefore, it has been classified as a Variant of Uncertain Significance.